The following is an entry in ClinVar:

ClinVar aggregate classification (germline): Pathogenic/Likely pathogenic. Review status: criteria provided, multiple submitters, no conflicts (2 of 4 stars). 5 submissions from 5 submitters: Pathogenic (2); Likely pathogenic (1). 2 of the submissions do not count toward it. Last evaluated 2025-01-09.

Conditions:
SH3BP2-related disorder. Also called: SH3BP2-related condition.
Fibrous dysplasia of jaw (CRBM). Also called: Cherubism. Identifiers: Orphanet 184, MedGen C0008029, MONDO:0007315, OMIM 118400.

gnomAD v4.1: 1 of 1,588,300 alleles (0.000063%); highest among the groups gnomAD compares: Non-Finnish European, 0.000086%; no homozygotes.

Submissions (5):

PreventionGenetics, part of Exact Sciences
Classification: Pathogenic for SH3BP2-related condition. Last evaluated: 2025-01-09. Review status: criteria provided, single submitter. Criteria: ACMG Guidelines, 2015. Collection method: clinical testing. Allele origin: germline.
Comment: The SH3BP2 c.1253C>T variant is predicted to result in the amino acid substitution p.Pro418Leu. This variant was reported in multiple individuals with cherubism (Ueki et al. 2001. PubMed ID: 11381256; Friedrich et al. 2016. PubMed ID: 27272835; Deconte et al. 2020. PubMed ID: 33552642). The majority of variants noted in individuals affected with cherubism are found within this exon and include the same amino acid (p.Pro418Arg; p.Pro418Thr; p.Pro418His) as this variant (de Lange et al. 2007. PubMed ID: 17321449; Tuna et al. 2012. PubMed ID 22795151). Functional studies suggest this variant disturbs protein regulation by altering the recognition site for tankyrase binding (Guettler et al. 2011. PubMed ID: 22153077). This variant has not been reported in a large population database (gnomAD), indicating this variant is rare. This variant is interpreted as pathogenic.

Laboratory of Medical Genetics, National & Kapodistrian University of Athens
Classification: Pathogenic for Fibrous dysplasia of jaw. Last evaluated: 2022-01-28. Review status: criteria provided, single submitter. Criteria: ACMG Guidelines, 2015. Collection method: clinical testing. Allele origin: germline. Affected: yes.
Comment: PS4, PM1, PM5, PM2, PP3, PP5

Labcorp Genetics (formerly Invitae), Labcorp
Classification: Likely pathogenic for Fibrous dysplasia of jaw. Last evaluated: 2021-04-16. Review status: criteria provided, single submitter. Criteria: Invitae Variant Classification Sherloc (09022015). Collection method: clinical testing. Allele origin: germline.
Comment: This sequence change replaces proline with leucine at codon 418 of the SH3BP2 protein (p.Pro418Leu). The proline residue is highly conserved and there is a moderate physicochemical difference between proline and leucine. This variant is not present in population databases (ExAC no frequency). This variant has been observed in individuals and families affected with cherubism (PMID: 11381256, 27272835, 23298620). ClinVar contains an entry for this variant (Variation ID: 7547). This variant has been reported to affect SH3BP2 protein function (PMID: 22153077). This variant disrupts the p.Pro418 amino acid residue in SH3BP2. Other variant(s) that disrupt this residue have been determined to be pathogenic (PMID: 17321449, 18596838, 28644570, 23298620, 11381256). This suggests that this residue is clinically-significant, and that variants that disrupt this residue are likely to be disease-causing. In summary, the currently available evidence indicates that the variant is pathogenic, but additional data are needed to prove that conclusively. Therefore, this variant has been classified as Likely Pathogenic.

Clinical Genetics Laboratory, Federal University of Health Sciences of Porto Alegre
Classification: Pathogenic for Fibrous dysplasia of jaw. Last evaluated: 2019-03-18. Review status: no assertion criteria provided. Collection method: research. Allele origin: maternal. Inheritance: Autosomal dominant inheritance. Affected: yes. Observed: 1 heterozygote. Segregation with disease observed. Not counted in ClinVar's aggregate classification.

OMIM
Classification: Pathogenic for CHERUBISM. Last evaluated: 2001-06-01. Review status: no assertion criteria provided. Collection method: literature only. Allele origin: germline. Not counted in ClinVar's aggregate classification.

Literature cited by the submitters: PubMed 11381256 (cited by Labcorp Genetics (formerly Invitae), Labcorp and OMIM); PubMed 27272835 (cited by Labcorp Genetics (formerly Invitae), Labcorp); PubMed 23298620 (cited by Labcorp Genetics (formerly Invitae), Labcorp); PubMed 22153077 (cited by Labcorp Genetics (formerly Invitae), Labcorp); PubMed 17321449 (cited by Labcorp Genetics (formerly Invitae), Labcorp); PubMed 18596838 (cited by Labcorp Genetics (formerly Invitae), Labcorp); PubMed 28644570 (cited by Labcorp Genetics (formerly Invitae), Labcorp).

NM_001122681.2(SH3BP2):c.1253C>T (p.Pro418Leu)

Gene: SH3BP2 (SH3 domain binding protein 2; plus strand). Cytogenetic location: 4p16.3.
Variant type: single nucleotide variant.
Coding change: c.1253C>T on transcript NM_001122681.2 (MANE Select); coding-DNA position 1253, C replaced by T.
Protein change: p.Pro418Leu; replaces proline 418 with leucine.
Molecular consequence: missense variant.
Genome position (GRCh38, 1-based): chr4:2,831,582, C>T. VCF-style: chr4-2831582-C-T. GRCh37 (hg19) VCF-style: chr4-2833309-C-T.
Other names: c.1337C>T, p.Pro446Leu (LRG_1334t2, NM_001145855.2); c.1253C>T, p.Pro418Leu (LRG_1334t1, NM_003023.4); c.1424C>T, p.Pro475Leu (NM_001145856.2); short protein forms P418L, P446L, P475L.
Identifiers: ClinVar variation 7547 (VCV000007547.13), dbSNP rs121909146, ClinGen allele CA254206.